The following is an entry in ClinVar:

ClinVar aggregate classification (germline): Conflicting classifications of pathogenicity. Review status: criteria provided, conflicting classifications (1 of 4 stars). 4 submissions from 4 submitters: Uncertain significance (2); Benign (1); Likely benign (1). Last evaluated 2026-01-01.

Conditions:
Inborn genetic diseases. Identifiers: MedGen C0950123, MeSH D030342.

Allele frequency attached by ClinVar (database versions not stated): gnomAD 0.00007 and 0.00009; ESP Exome Variant Server 0.00008; gnomAD exomes 0.00013 and 0.00020; 1000 Genomes Project 30x 0.00016; ExAC 0.00017; 1000 Genomes Project 0.00020; TOPMed 0.00020.
gnomAD v4.1: 196 of 1,613,880 alleles (0.012%); highest among the groups gnomAD compares: Middle Eastern, 0.12%; 1 homozygote.

Submissions (4):

CeGaT Center for Human Genetics Tuebingen
Classification: Likely benign. Last evaluated: 2026-01-01. Review status: criteria provided, single submitter. Criteria: CeGaT Center For Human Genetics Tuebingen Variant Classification Criteria Version 2. Collection method: clinical testing. Allele origin: germline. Affected: yes. Observed: 2 variant alleles.
Comment: P4HB: BP4

Labcorp Genetics (formerly Invitae), Labcorp
Classification: Benign. Last evaluated: 2025-10-26. Review status: criteria provided, single submitter. Criteria: Invitae Variant Classification Sherloc (09022015). Collection method: clinical testing. Allele origin: germline.

Ambry Genetics
Classification: Uncertain significance for Inborn genetic diseases. Last evaluated: 2025-02-19. Review status: criteria provided, single submitter. Criteria: Ambry Variant Classification Scheme 2023. Collection method: clinical testing. Allele origin: germline.

Breakthrough Genomics
Classification: Uncertain significance. Review status: criteria provided, single submitter. Criteria: ACMG Guidelines, 2015. Collection method: not provided. Allele origin: germline. Inheritance: Autosomal dominant inheritance. Affected: yes.

NM_000918.4(P4HB):c.497C>T (p.Ser166Leu)

Gene: P4HB (prolyl 4-hydroxylase subunit beta; minus strand). Cytogenetic location: 17q25.3.
Variant type: single nucleotide variant.
Coding change: c.497C>T on transcript NM_000918.4 (MANE Select); coding-DNA position 497, C replaced by T.
Protein change: p.Ser166Leu; replaces serine 166 with leucine.
Molecular consequence: missense variant.
Genome position (GRCh38, 1-based): chr17:81,855,269, G>A on the plus strand (C>T on the coding strand, the complement: P4HB is on the minus strand). VCF-style: chr17-81855269-G-A. GRCh37 (hg19) VCF-style: chr17-79813145-G-A.
Other names: c.497C>T (NM_000918.3); short protein forms S166L.
Identifiers: ClinVar variation 1447497 (VCV001447497.21), dbSNP rs146846893, ClinGen allele CA8842933.